The following is an entry in ClinVar:

NM_006092.4(NOD1):c.1492del (p.Leu498fs)

Gene: NOD1 (nucleotide binding oligomerization domain containing 1; minus strand). Cytogenetic location: 7p14.3.
Variant type: Deletion.
Coding change: c.1492del on transcript NM_006092.4 (MANE Select); coding-DNA position 1492, one base deleted (C; older notation c.1492delC).
Protein change: p.Leu498fs; shifts the reading frame from leucine 498.
Molecular consequence: frameshift variant. On other transcripts: non-coding transcript variant (1).
Genome position (GRCh38, 1-based): chr7:30,451,925, G deleted on the plus strand (C on the coding strand, the reverse complement: NOD1 is on the minus strand); the first of 2 consecutive G bases (chr7:30,451,925-30,451,926); deleting either gives the same sequence. VCF-style (leftmost placement, unchanged base first): chr7-30451924-AG-A. GRCh37 (hg19) VCF-style: chr7-30491540-AG-A.
Other names: c.1492del, p.Leu498fs (NM_001354849.2); short protein forms L498fs.
Identifiers: ClinVar variation 103092 (VCV000103092.2), dbSNP rs199476263, ClinGen allele CA230108.

ClinVar aggregate classification (germline): not provided (0 of 4 stars; one submission).

Submission:

Human Evolutionary Genetics, Institut Pasteur
No classification provided. Review status: no classification provided. Collection method: not provided. Allele origin: germline.
ClinVar note: Converted during submission from untested to not provided.